The following is an entry in ClinVar:

NM_000038.6(APC):c.8299T>C (p.Ser2767Pro)

Gene: APC (APC regulator of Wnt signaling pathway; plus strand). Cytogenetic location: 5q22.2.
Variant type: single nucleotide variant.
Coding change: c.8299T>C on transcript NM_000038.6 (MANE Select); coding-DNA position 8299, T replaced by C.
Protein change: p.Ser2767Pro; replaces serine 2767 with proline.
Molecular consequence: missense variant.
Genome position (GRCh38, 1-based): chr5:112,843,893, T>C. VCF-style: chr5-112843893-T-C. GRCh37 (hg19) VCF-style: chr5-112179590-T-C.
Other names: c.8299T>C, p.Ser2767Pro (NM_001127510.3, NM_001354895.2); c.8245T>C, p.Ser2749Pro (NM_001127511.3); c.8353T>C, p.Ser2785Pro (NM_001354896.2); c.8329T>C, p.Ser2777Pro (NM_001354897.2); c.8224T>C, p.Ser2742Pro (NM_001354898.2); c.8215T>C, p.Ser2739Pro (NM_001354899.2); c.8176T>C, p.Ser2726Pro (NM_001354900.2); c.8122T>C, p.Ser2708Pro (NM_001354901.2); and 5 more; short protein forms S2607P, S2666P, S2726P, S2739P, S2777P, S2708P, S2742P, S2749P.
Identifiers: ClinVar variation 639291 (VCV000639291.13), dbSNP rs1580692271, ClinGen allele CA16039339.
Genomic context (GRCh38, chr5:112,843,893, plus strand): 5'-CCTGTATCAGAGACTAATGAAAGTTCTATAGTGGAACGTACCCCATTCAGTTCTAGCAGC[T>C]CAAGCAAACACAGTTCACCTAGTGGGACTGTTGCTGCCAGAGTGACTCCTTTTAATTACA-3'
Protein context (NP_000029.2, residues 2757-2777): VERTPFSSSS[Ser2767Pro]SKHSSPSGTV

ClinVar aggregate classification (germline): Uncertain significance. Review status: criteria provided, multiple submitters, no conflicts (2 of 4 stars). 3 submissions from 3 submitters: Uncertain significance (3). Last evaluated 2025-10-09.

Conditions:
Classic or attenuated familial adenomatous polyposis. Identifiers: MedGen CN372698, MONDO:0021057.
Hereditary cancer-predisposing syndrome. Also called: Neoplastic Syndromes, Hereditary; Tumor predisposition; Hereditary Cancer Syndrome; Hereditary neoplastic syndrome. Identifiers: Orphanet 140162, MedGen C0027672, MeSH D009386, MONDO:0015356.
Familial adenomatous polyposis 1 (FAP1). Also called: POLYPOSIS, ADENOMATOUS INTESTINAL; FAMILIAL ADENOMATOUS POLYPOSIS 1, ATTENUATED. Identifiers: MedGen C2713442, MONDO:0021056, OMIM 175100. Disease mechanism: loss of function.

Submissions (3):

Ambry Genetics
Classification: Uncertain significance for Hereditary cancer-predisposing syndrome. Last evaluated: 2025-10-09. Review status: criteria provided, single submitter. Criteria: Ambry Variant Classification Scheme 2023. Collection method: clinical testing. Allele origin: germline.
Comment: The p.S2767P variant (also known as c.8299T>C), located in coding exon 15 of the APC gene, results from a T to C substitution at nucleotide position 8299. The serine at codon 2767 is replaced by proline, an amino acid with similar properties. This amino acid position is well conserved in available vertebrate species. In addition, in silico predictors for this gene do not accurately predict pathogenicity. Missense alterations in APC are not a common cause of disease (Spier I et al. Genet Med. 2024 Feb;26(2):100992). Based on the available evidence, the clinical significance of this variant remains unclear.

Labcorp Genetics (formerly Invitae), Labcorp
Classification: Uncertain significance for Familial adenomatous polyposis 1. Last evaluated: 2024-09-12. Review status: criteria provided, single submitter. Criteria: Invitae Variant Classification Sherloc (09022015). Collection method: clinical testing. Allele origin: germline.
Comment: This sequence change replaces serine, which is neutral and polar, with proline, which is neutral and non-polar, at codon 2767 of the APC protein (p.Ser2767Pro). This variant is not present in population databases (gnomAD no frequency). This variant has not been reported in the literature in individuals affected with APC-related conditions. ClinVar contains an entry for this variant (Variation ID: 639291). Invitae Evidence Modeling of protein sequence and biophysical properties (such as structural, functional, and spatial information, amino acid conservation, physicochemical variation, residue mobility, and thermodynamic stability) indicates that this missense variant is not expected to disrupt APC protein function with a negative predictive value of 95%. In summary, the available evidence is currently insufficient to determine the role of this variant in disease. Therefore, it has been classified as a Variant of Uncertain Significance.

All of Us Research Program, National Institutes of Health
Classification: Uncertain significance for Classic or attenuated familial adenomatous polyposis. Last evaluated: 2023-06-26. Review status: criteria provided, single submitter. Criteria: ACMG Guidelines, 2015. Collection method: clinical testing. Allele origin: germline. Inheritance: Autosomal dominant inheritance. Observed: 1 variant allele, 1 heterozygote.
Comment: This missense variant replaces serine with proline at codon 2767 of the APC protein. Computational prediction suggests that this variant may not impact protein structure and function (internally defined REVEL score threshold <= 0.5, PMID: 27666373). To our knowledge, functional studies have not been reported for this variant. This variant has not been reported in individuals affected with APC-related disorders in the literature. This variant has not been identified in the general population by the Genome Aggregation Database (gnomAD). The available evidence is insufficient to determine the role of this variant in disease conclusively. Therefore, this variant is classified as a Variant of Uncertain Significance.

This study involves interpretation of variants in research participants for the purpose of population health screening. Participant phenotype was not available at the time of variant classification. Additional details can be found in publication PMID: 35346344, PMCID: PMC8962531